The following is an entry in ClinVar:

NM_001320198.2(KRT86):c.878C>A (p.Ala293Asp)

Gene: KRT86 (keratin 86; plus strand). Cytogenetic location: 12q13.13.
Variant type: single nucleotide variant.
Coding change: c.878C>A on transcript NM_001320198.2 (MANE Select); coding-DNA position 878, C replaced by A.
Protein change: p.Ala293Asp; replaces alanine 293 with aspartic acid.
Molecular consequence: missense variant.
Genome position (GRCh38, 1-based): chr12:52,305,382, C>A. VCF-style: chr12-52305382-C-A. GRCh37 (hg19) VCF-style: chr12-52699166-C-A.
Other names: NM_002284.3:c.878C>A; short protein forms A293D.
Identifiers: ClinVar variation 2324352 (VCV002324352.3), dbSNP rs376319970, ClinGen allele CA6576947.

ClinVar aggregate classification (germline): Uncertain significance. Review status: criteria provided, multiple submitters, no conflicts (2 of 4 stars). 2 submissions from 2 submitters: Uncertain significance (2). Last evaluated 2024-08-15.

Conditions:
Inborn genetic diseases. Identifiers: MedGen C0950123, MeSH D030342.

Allele frequency attached by ClinVar (database versions not stated): ExAC 0.00006; ESP Exome Variant Server 0.00008; TOPMed 0.00008; gnomAD 0.00009.
gnomAD v4.1: 233 of 1,614,108 alleles (0.014%); highest among the groups gnomAD compares: Non-Finnish European, 0.019%; no homozygotes.

Submissions (2):

GeneDx
Classification: Uncertain significance. Last evaluated: 2024-08-15. Review status: criteria provided, single submitter. Criteria: GeneDx Variant Classification Process June 2021. Collection method: clinical testing. Allele origin: germline. Affected: yes.
Comment: Has not been previously published as pathogenic or benign to our knowledge; In silico analysis supports that this missense variant has a deleterious effect on protein structure/function

Ambry Genetics
Classification: Uncertain significance for Inborn genetic diseases. Last evaluated: 2022-11-08. Review status: criteria provided, single submitter. Criteria: Ambry Variant Classification Scheme 2023. Collection method: clinical testing. Allele origin: germline.